The following is an entry in ClinVar:

ClinVar aggregate classification (germline): Uncertain significance (1 of 4 stars; one submission).

Conditions:
Hereditary cancer-predisposing syndrome. Also called: Neoplastic Syndromes, Hereditary; Tumor predisposition; Hereditary Cancer Syndrome; Hereditary neoplastic syndrome. Identifiers: Orphanet 140162, MedGen C0027672, MeSH D009386, MONDO:0015356.

Submission:

Ambry Genetics
Classification: Uncertain significance for Hereditary cancer-predisposing syndrome. Last evaluated: 2021-10-21. Review status: criteria provided, single submitter. Criteria: Ambry Variant Classification Scheme 2023. Collection method: clinical testing. Allele origin: germline.
Comment: The p.I1102K variant (also known as c.3305T>A), located in coding exon 14 of the MET gene, results from a T to A substitution at nucleotide position 3305. The isoleucine at codon 1102 is replaced by lysine, an amino acid with dissimilar properties. This amino acid position is highly conserved in available vertebrate species. In addition, this alteration is predicted to be deleterious by in silico analysis. Since supporting evidence is limited at this time, the clinical significance of this alteration remains unclear.

NM_000245.4(MET):c.3251T>A (p.Ile1084Lys)

Gene: MET (MET proto-oncogene, receptor tyrosine kinase; plus strand). Cytogenetic location: 7q31.2.
Variant type: single nucleotide variant.
Coding change: c.3251T>A on transcript NM_000245.4 (MANE Select); coding-DNA position 3251, T replaced by A.
Protein change: p.Ile1084Lys; replaces isoleucine 1084 with lysine.
Molecular consequence: missense variant.
Genome position (GRCh38, 1-based): chr7:116,775,103, T>A. VCF-style: chr7-116775103-T-A. GRCh37 (hg19) VCF-style: chr7-116415157-T-A.
Other names: c.3305T>A, p.Ile1102Lys (NM_001127500.3); c.1961T>A, p.Ile654Lys (NM_001324402.2); short protein forms I1084K, I1102K, I654K.
Identifiers: ClinVar variation 1730022 (VCV001730022.2), dbSNP rs2117032376, ClinGen allele CA368988841.